The following is an entry in ClinVar:

ClinVar aggregate classification (germline): Uncertain significance. Review status: criteria provided, multiple submitters, no conflicts (2 of 4 stars). 2 submissions from 2 submitters: Uncertain significance (2). Last evaluated 2024-05-08.

Conditions:
Inborn genetic diseases. Identifiers: MedGen C0950123, MeSH D030342.

Allele frequency attached by ClinVar (database versions not stated): ExAC 0.00002; TOPMed 0.00002; gnomAD exomes 0.00004.

Submissions (2):

Ambry Genetics
Classification: Uncertain significance for Inborn genetic diseases. Last evaluated: 2024-05-08. Review status: criteria provided, single submitter. Criteria: Ambry Variant Classification Scheme 2023. Collection method: clinical testing. Allele origin: germline.

Labcorp Genetics (formerly Invitae), Labcorp
Classification: Uncertain significance. Last evaluated: 2022-11-01. Review status: criteria provided, single submitter. Criteria: Invitae Variant Classification Sherloc (09022015). Collection method: clinical testing. Allele origin: germline.
Comment: In summary, the available evidence is currently insufficient to determine the role of this variant in disease. Therefore, it has been classified as a Variant of Uncertain Significance. Algorithms developed to predict the effect of missense changes on protein structure and function output the following: SIFT: "Deleterious"; PolyPhen-2: "Benign"; Align-GVGD: "Class C15". The arginine amino acid residue is found in multiple mammalian species, which suggests that this missense change does not adversely affect protein function. ClinVar contains an entry for this variant (Variation ID: 1052856). This variant has not been reported in the literature in individuals affected with C1QC-related conditions. This variant is present in population databases (rs780658153, gnomAD 0.02%). This sequence change replaces glycine, which is neutral and non-polar, with arginine, which is basic and polar, at codon 67 of the C1QC protein (p.Gly67Arg).

NM_172369.5(C1QC):c.199G>A (p.Gly67Arg)

Gene: C1QC (complement C1q C chain; plus strand). Cytogenetic location: 1p36.12.
Variant type: single nucleotide variant.
Coding change: c.199G>A on transcript NM_172369.5 (MANE Select); coding-DNA position 199, G replaced by A.
Protein change: p.Gly67Arg; replaces glycine 67 with arginine.
Molecular consequence: missense variant. On other transcripts: 5 prime UTR variant (1).
Genome position (GRCh38, 1-based): chr1:22,647,244, G>A. VCF-style: chr1-22647244-G-A. GRCh37 (hg19) VCF-style: chr1-22973737-G-A.
Other names: c.199G>A, p.Gly67Arg (NM_001114101.3, NM_001347619.2); c.-69G>A (NM_001347620.2); c.199G>A (NM_172369.3); short protein forms G67R.
Identifiers: ClinVar variation 1052856 (VCV001052856.7), dbSNP rs780658153, ClinGen allele CA677924.